The following is an entry in ClinVar:

NM_006415.4(SPTLC1):c.1264A>G (p.Arg422Gly)

Gene: SPTLC1 (serine palmitoyltransferase long chain base subunit 1; minus strand). Cytogenetic location: 9q22.31.
Variant type: single nucleotide variant.
Coding change: c.1264A>G on transcript NM_006415.4 (MANE Select); coding-DNA position 1264, A replaced by G.
Protein change: p.Arg422Gly; replaces arginine 422 with glycine.
Molecular consequence: missense variant.
Genome position (GRCh38, 1-based): chr9:92,034,874, T>C on the plus strand (A>G on the coding strand, the complement: SPTLC1 is on the minus strand). VCF-style: chr9-92034874-T-C. GRCh37 (hg19) VCF-style: chr9-94797156-T-C.
Other names: c.1264A>G, p.Arg422Gly (NM_001281303.2); c.898A>G, p.Arg300Gly (NM_001368272.1); c.799A>G, p.Arg267Gly (NM_001368273.1); short protein forms R422G, R267G, R300G.
Identifiers: ClinVar variation 3649300 (VCV003649300.2).

ClinVar aggregate classification (germline): Uncertain significance (1 of 4 stars; one submission).

Conditions:
Hereditary sensory and autonomic neuropathy type 1 (HSAN1). Also called: HSAN 1; HSN Type I; Hereditary Sensory Neuropathy Type I. Identifiers: Orphanet 36386, MedGen C0020071, MONDO:0018213.

Submission:

Labcorp Genetics (formerly Invitae), Labcorp
Classification: Uncertain significance for Hereditary sensory and autonomic neuropathy type 1. Last evaluated: 2024-04-09. Review status: criteria provided, single submitter. Criteria: Invitae Variant Classification Sherloc (09022015). Collection method: clinical testing. Allele origin: germline.
Comment: This sequence change replaces arginine, which is basic and polar, with glycine, which is neutral and non-polar, at codon 422 of the SPTLC1 protein (p.Arg422Gly). This variant is not present in population databases (gnomAD no frequency). This variant has not been reported in the literature in individuals affected with SPTLC1-related conditions. Advanced modeling of protein sequence and biophysical properties (such as structural, functional, and spatial information, amino acid conservation, physicochemical variation, residue mobility, and thermodynamic stability) performed at Invitae indicates that this missense variant is not expected to disrupt SPTLC1 protein function with a negative predictive value of 80%. In summary, the available evidence is currently insufficient to determine the role of this variant in disease. Therefore, it has been classified as a Variant of Uncertain Significance.